The following is an entry in ClinVar:

NM_018127.7(ELAC2):c.1304+17A>T

Gene: ELAC2 (elaC ribonuclease Z 2; minus strand). Cytogenetic location: 17p12.
Variant type: single nucleotide variant.
Coding change: c.1304+17A>T on transcript NM_018127.7 (MANE Select); 17 bases into the intron after coding-DNA position 1304, A replaced by T.
Molecular consequence: intron variant.
Genome position (GRCh38, 1-based): chr17:13,002,257, T>A on the plus strand (A>T on the coding strand, the complement: ELAC2 is on the minus strand). VCF-style: chr17-13002257-T-A. GRCh37 (hg19) VCF-style: chr17-12905574-T-A.
Other names: c.1184+17A>T (NM_001165962.2, NM_001165962.1); c.1301+17A>T (NM_173717.2).
Identifiers: ClinVar variation 379969 (VCV000379969.14), dbSNP rs55674356, ClinGen allele CA8401276.

ClinVar aggregate classification (germline): Benign. Review status: criteria provided, multiple submitters, no conflicts (2 of 4 stars). 6 submissions from 6 submitters: Benign (6). Last evaluated 2026-02-04.

Conditions:
Combined oxidative phosphorylation defect type 17. Also called: Combined oxidative phosphorylation deficiency 17. Identifiers: Orphanet 369913, MedGen C3809526, MONDO:0014190, OMIM 615440.
Prostate cancer, hereditary, 2 (HPC2). Identifiers: Orphanet 1331, MedGen C3539120, MONDO:0013872, OMIM 614731.

Allele frequency attached by ClinVar (database versions not stated): 1000 Genomes Project 0.20627; 1000 Genomes Project 30x 0.21159; TOPMed 0.25951; gnomAD 0.26625 and 0.26960; ESP Exome Variant Server 0.26964; ExAC 0.27062; gnomAD exomes 0.27167 and 0.29012.
gnomAD v4.1: 464,270 of 1,613,224 alleles (29%); highest among the groups gnomAD compares: Middle Eastern, 34%; 69,281 homozygotes.

Submissions (6):

Labcorp Genetics (formerly Invitae), Labcorp
Classification: Benign for Combined oxidative phosphorylation defect type 17. Last evaluated: 2026-02-04. Review status: criteria provided, single submitter. Criteria: Invitae Variant Classification Sherloc (09022015). Collection method: clinical testing. Allele origin: germline.

Blueprint Genetics
Classification: Benign. Last evaluated: 2024-11-28. Review status: criteria provided, single submitter. Criteria: ACMG Guidelines, 2015. Collection method: clinical testing. Allele origin: germline.

KCCC/NGS Laboratory, Kuwait Cancer Control Center
Classification: Benign for Prostate cancer, hereditary, 2. Last evaluated: 2023-07-07. Review status: criteria provided, single submitter. Criteria: ACMG Guidelines, 2015. Collection method: clinical testing. Allele origin: germline. Affected: yes.

Genome-Nilou Lab
Classification: Benign for Combined oxidative phosphorylation defect type 17. Last evaluated: 2021-07-30. Review status: criteria provided, single submitter. Criteria: ACMG Guidelines, 2015. Collection method: clinical testing. Allele origin: germline. Affected: no.

GeneDx
Classification: Benign. Last evaluated: 2015-12-02. Review status: criteria provided, single submitter. Criteria: GeneDx Variant Classification (06012015). Collection method: clinical testing. Allele origin: germline. Affected: yes.
Comment: This variant is considered likely benign or benign based on one or more of the following criteria: it is a conservative change, it occurs at a poorly conserved position in the protein, it is predicted to be benign by multiple in silico algorithms, and/or has population frequency not consistent with disease.

Breakthrough Genomics
Classification: Benign. Review status: criteria provided, single submitter. Criteria: ACMG Guidelines, 2015. Collection method: not provided. Allele origin: germline. Inheritance: Autosomal recessive inheritance. Affected: yes.